The following is an entry in ClinVar:

ClinVar aggregate classification (germline): Uncertain significance (1 of 4 stars; one submission).

Conditions:
Marfan syndrome (MFS). Also called: MARFAN SYNDROME, TYPE I; Marfan syndrome type 1; Marfan's syndrome; Marfan syndrome, classic; FBN1-Related Marfan Syndrome. Identifiers: Orphanet 284963, Orphanet 558, MedGen C0024796, MONDO:0007947, OMIM 154700.
Familial thoracic aortic aneurysm and aortic dissection (TAAD). Also called: Thoracic aortic aneurysms and dissections. Identifiers: Orphanet 91387, MedGen C4707243, MONDO:0019625.

Submission:

Labcorp Genetics (formerly Invitae), Labcorp
Classification: Uncertain significance for Marfan syndrome; Familial thoracic aortic aneurysm and aortic dissection. Last evaluated: 2022-10-28. Review status: criteria provided, single submitter. Criteria: Invitae Variant Classification Sherloc (09022015). Collection method: clinical testing. Allele origin: germline.
Comment: In summary, the available evidence is currently insufficient to determine the role of this variant in disease. Therefore, it has been classified as a Variant of Uncertain Significance. This variant is not present in population databases (gnomAD no frequency). This missense change has been observed in individual(s) with thoracic aortic aneurysm and dissection (Invitae). Advanced modeling of protein sequence and biophysical properties (such as structural, functional, and spatial information, amino acid conservation, physicochemical variation, residue mobility, and thermodynamic stability) performed at Invitae indicates that this missense variant is expected to disrupt FBN1 protein function. This sequence change replaces tyrosine, which is neutral and polar, with serine, which is neutral and polar, at codon 1219 of the FBN1 protein (p.Tyr1219Ser).

NM_000138.5(FBN1):c.3656A>C (p.Tyr1219Ser)

Gene: FBN1 (fibrillin 1; minus strand). Cytogenetic location: 15q21.1.
Variant type: single nucleotide variant.
Coding change: c.3656A>C on transcript NM_000138.5 (MANE Select); coding-DNA position 3656, A replaced by C.
Protein change: p.Tyr1219Ser; replaces tyrosine 1219 with serine.
Molecular consequence: missense variant.
Genome position (GRCh38, 1-based): chr15:48,485,430, T>G on the plus strand (A>C on the coding strand, the complement: FBN1 is on the minus strand). VCF-style: chr15-48485430-T-G. GRCh37 (hg19) VCF-style: chr15-48777627-T-G.
Other names: c.3656A>C, p.Tyr1219Ser (NM_001406716.1); short protein forms Y1219S.
Identifiers: ClinVar variation 2941083 (VCV002941083.3), dbSNP rs1555398394, ClinGen allele CA392324451.